The following is an entry in ClinVar:

ClinVar aggregate classification (germline): Pathogenic (1 of 4 stars; one submission).

Conditions:
Ataxia-telangiectasia syndrome (AT). Also called: Ataxia telangiectasia (A-T); LOUIS-BAR SYNDROME; Cerebello-oculocutaneous telangiectasia; Immunodeficiency with ataxia telangiectasia; AT, COMPLEMENTATION GROUP C; Ataxia-telangiectasia, complementation group D. Identifiers: Orphanet 100, MedGen C0004135, MONDO:0008840, OMIM 208900.

Submission:

Labcorp Genetics (formerly Invitae), Labcorp
Classification: Pathogenic for Ataxia-telangiectasia syndrome. Last evaluated: 2021-09-07. Review status: criteria provided, single submitter. Criteria: Invitae Variant Classification Sherloc (09022015). Collection method: clinical testing. Allele origin: germline.
Comment: This sequence change creates a premature translational stop signal (p.Ile735Metfs*17) in the ATM gene. It is expected to result in an absent or disrupted protein product. Loss-of-function variants in ATM are known to be pathogenic (PMID: 23807571, 25614872). This variant is not present in population databases (ExAC no frequency). This variant has not been reported in the literature in individuals affected with ATM-related conditions. For these reasons, this variant has been classified as Pathogenic.

Literature cited by the submitters: PubMed 23807571; PubMed 25614872.

NM_000051.4(ATM):c.2205_2208del (p.Ile735fs)

Gene: ATM (ATM serine/threonine kinase; plus strand). Cytogenetic location: 11q22.3.
Variant type: Deletion.
Coding change: c.2205_2208del on transcript NM_000051.4 (MANE Select); coding-DNA positions 2205 to 2208, 4 bases deleted (AGCT; older notation c.2205_2208delAGCT).
Protein change: p.Ile735fs; shifts the reading frame from isoleucine 735.
Molecular consequence: frameshift variant.
Genome position (GRCh38, 1-based): chr11:108,256,295-108,256,298, AGCT deleted; deleting any 4 consecutive bases within chr11:108,256,294-108,256,298 gives the same sequence; the c. name uses the placement nearest the transcript's 3' end. VCF-style (leftmost placement, unchanged base first): chr11-108256293-ATAGC-A. GRCh37 (hg19) VCF-style: chr11-108127020-ATAGC-A.
Other names: c.2205_2208del, p.Ile735fs (NM_001351834.2); short protein forms I735fs.
Identifiers: ClinVar variation 1420424 (VCV001420424.6), dbSNP rs2135394014, ClinGen allele CA2573146421.